The following is an entry in ClinVar:

NM_015046.7(SETX):c.5809_5811delinsTAC (p.Asp1937Tyr)

Gene: SETX (senataxin; minus strand). Cytogenetic location: 9q34.13.
Variant type: Indel.
Coding change: c.5809_5811delinsTAC on transcript NM_015046.7 (MANE Select); coding-DNA positions 5809 to 5811, GAT replaced by TAC.
Protein change: p.Asp1937Tyr; replaces aspartic acid 1937 with tyrosine.
Molecular consequence: missense variant.
Genome position (GRCh38, 1-based): chr9:132,297,025-132,297,027, ATC replaced by GTA on the plus strand (GAT replaced by TAC on the coding strand, the reverse complement: SETX is on the minus strand). VCF-style: chr9-132297025-ATC-GTA. GRCh37 (hg19) VCF-style: chr9-135172412-ATC-GTA.
Other names: c.5809_5811delinsTAC, p.Asp1937Tyr (NM_001351527.2, NM_001351528.2); short protein forms D1937Y.
Identifiers: ClinVar variation 1029343 (VCV001029343.3), dbSNP rs1844713785, ClinGen allele CA1882092192.

ClinVar aggregate classification (germline): Uncertain significance. Review status: criteria provided, multiple submitters, no conflicts (2 of 4 stars). 3 submissions from 3 submitters: Uncertain significance (2). 1 of the submissions does not count toward it. Last evaluated 2026-01-12.

Conditions:
SETX-related disorder. Also called: SETX-related condition; SETX-related disorders. Identifiers: MedGen CN239403.
Spinocerebellar ataxia, autosomal recessive, with axonal neuropathy 2 (SCAN2). Also called: Ataxia-ocular apraxia-2; ATAXIA-OCULOMOTOR APRAXIA 2; Ataxia with Oculomotor Apraxia; Ataxia with Oculomotor Apraxia Type 2. Identifiers: Orphanet 64753, MedGen C1853761, MONDO:0018996, OMIM 606002.

Submissions (3):

Women's Health and Genetics/Laboratory Corporation of America, LabCorp
Classification: Uncertain significance. Last evaluated: 2026-01-12. Review status: criteria provided, single submitter. Criteria: LabCorp Variant Classification Summary - May 2015. Collection method: clinical testing. Allele origin: germline.
Comment: Variant summary: SETX c.5809_5811delinsTAC (p.Asp1937Tyr) results in a non-conservative amino acid change in the encoded protein sequence. Algorithms developed to predict the effect of missense changes on protein structure and function are either unavailable or do not agree on the potential impact of this missense change. The variant was absent in 250604 control chromosomes. The available data on variant occurrences in the general population are insufficient to allow any conclusion about variant significance. To our knowledge, no occurrence of c.5809_5811delinsTAC in individuals affected with SETX-related conditions and no experimental evidence demonstrating its impact on protein function have been reported. ClinVar contains an entry for this variant (Variation ID: 1029343). Based on the evidence outlined above, the variant was classified as uncertain significance.

Baylor Genetics
Classification: Uncertain significance for Spinocerebellar ataxia, autosomal recessive, with axonal neuropathy 2. Last evaluated: 2020-06-03. Review status: criteria provided, single submitter. Criteria: ACMG Guidelines, 2015. Collection method: clinical testing. Allele origin: unknown. Affected: yes.
Comment: This variant was determined to be of uncertain significance according to ACMG Guidelines, 2015 [PMID:25741868].

PreventionGenetics, part of Exact Sciences
Classification: Uncertain significance for SETX-related condition. Last evaluated: 2024-08-14. Review status: no assertion criteria provided. Collection method: clinical testing. Allele origin: germline. Not counted in ClinVar's aggregate classification.
Comment: The SETX c.5809_5811delinsTAC variant is predicted to result in an in-frame deletion and insertion. To our knowledge, this variant has not been reported in the literature or in a large population database, indicating this variant is rare. At this time, the clinical significance of this variant is uncertain due to the absence of conclusive functional and genetic evidence.